The following is an entry in ClinVar:

NM_001346810.2(DLGAP2):c.1114T>G (p.Ser372Ala)

Gene: DLGAP2 (DLG associated protein 2; plus strand). Cytogenetic location: 8p23.3.
Variant type: single nucleotide variant.
Coding change: c.1114T>G on transcript NM_001346810.2 (MANE Select); coding-DNA position 1114, T replaced by G.
Protein change: p.Ser372Ala; replaces serine 372 with alanine.
Molecular consequence: missense variant.
Genome position (GRCh38, 1-based): chr8:1,549,567, T>G. VCF-style: chr8-1549567-T-G. GRCh37 (hg19) VCF-style: chr8-1497733-T-G.
Other names: short protein forms S372A.
Identifiers: ClinVar variation 3341825 (VCV003341825.16).

ClinVar aggregate classification (germline): Uncertain significance (1 of 4 stars; one submission).

Submission:

CeGaT Center for Human Genetics Tuebingen
Classification: Uncertain significance. Last evaluated: 2024-08-01. Review status: criteria provided, single submitter. Criteria: CeGaT Center For Human Genetics Tuebingen Variant Classification Criteria Version 2. Collection method: clinical testing. Allele origin: germline. Affected: yes. Observed: 1 variant allele.
Comment: DLGAP2: PM2